The following is an entry in ClinVar:

ClinVar aggregate classification (germline): Likely pathogenic (1 of 4 stars; one submission).

Conditions:
Jervell and Lange-Nielsen syndrome (JLNS). Also called: Jervell-Lange Nielsen syndrome. Identifiers: Orphanet 90647, MedGen C0022387, MONDO:0002441.

gnomAD v4.1: 2 of 1,614,038 alleles (0.00012%); highest among the groups gnomAD compares: Non-Finnish European, 0.00017%; no homozygotes.

Submission:

Women's Health and Genetics/Laboratory Corporation of America, LabCorp
Classification: Likely pathogenic for Jervell and Lange-Nielsen syndrome. Last evaluated: 2024-10-07. Review status: criteria provided, single submitter. Criteria: LabCorp Variant Classification Summary - May 2015. Collection method: clinical testing. Allele origin: germline.
Comment: Variant summary: KCNQ1 c.1686-2A>C is located in a canonical splice-site and is predicted to affect mRNA splicing resulting in a significantly altered protein due to either exon skipping, shortening, or inclusion of intronic material. Variants that disrupt the consensus splice site are a relatively common cause of aberrant splicing and loss of KCNQ1 function. Several computational tools predict a significant impact on normal splicing: However, these predictions have yet to be confirmed by functional studies. The variant was absent in 251050 control chromosomes (gnomAD). To our knowledge, no occurrence of c.1686-2A>C in individuals affected with Jervell And Lange-Nielsen Syndrome and no experimental evidence demonstrating its impact on protein function have been reported. No submitters have cited clinical-significance assessments for this variant to ClinVar. Based on the evidence outlined above, the variant was classified as likely pathogenic.

NM_000218.3(KCNQ1):c.1686-2A>C

Gene: KCNQ1 (potassium voltage-gated channel subfamily Q member 1; plus strand). Cytogenetic location: 11p15.5.
Variant type: single nucleotide variant.
Coding change: c.1686-2A>C on transcript NM_000218.3 (MANE Select); the canonical splice acceptor site of the intron before coding-DNA position 1686, A replaced by C.
Molecular consequence: splice acceptor variant.
Genome position (GRCh38, 1-based): chr11:2,776,984, A>C. VCF-style: chr11-2776984-A-C. GRCh37 (hg19) VCF-style: chr11-2798214-A-C.
Other names: c.1416-2A>C (NM_001406837.1); c.1590-2A>C (NM_001406836.1); c.1146-2A>C (NM_001406838.1); c.1305-2A>C (NM_181798.2).
Identifiers: ClinVar variation 3384908 (VCV003384908.1).